The following is an entry in ClinVar:

ClinVar aggregate classification (germline): Likely pathogenic (1 of 4 stars; one submission).

Allele frequency attached by ClinVar (database versions not stated): gnomAD exomes below 0.00001.
gnomAD v4.1: 2 of 1,585,752 alleles (0.00013%); highest among the groups gnomAD compares: Non-Finnish European, 0.00017%; no homozygotes.

Submission:

GeneDx
Classification: Likely pathogenic. Last evaluated: 2016-02-17. Review status: criteria provided, single submitter. Criteria: GeneDx Variant Classification (06012015). Collection method: clinical testing. Allele origin: germline. Affected: yes.
Comment: The S15F variant has not been published as a pathogenic variant, nor has it been reported as a benign variant to our knowledge. The S15F variant is a non-conservative amino acid substitution, which is likely to impact secondary protein structure as these residues differ in polarity, charge, size and/or other properties. This substitution occurs at a position that is not conserved. In silico analysis is inconsistent in its predictions as to whether or not the variant is damaging to the protein structure/function. Missense variants in nearby residues (A12G, R16C, I18T, F20L) have been reported in the Human Gene Mutation Database in association with 6-pyruvoyl-tetrahydropterin synthase (PTPS) deficiency (Stenson et al., 2014), supporting the functional importance of this region of the protein. Therefore, this variant is likely pathogenic; however, the possibility that it is benign cannot be excluded.

NM_000317.3(PTS):c.44C>T (p.Ser15Phe)

Genes: PTS (6-pyruvoyltetrahydropterin synthase; plus strand), LOC130006765 (ATAC-STARR-seq lymphoblastoid silent region 3906; plus strand). Cytogenetic location: 11q23.1.
Variant type: single nucleotide variant.
Coding change: c.44C>T on transcript NM_000317.3 (MANE Select); coding-DNA position 44, C replaced by T.
Protein change: p.Ser15Phe; replaces serine 15 with phenylalanine.
Molecular consequence: missense variant.
Genome position (GRCh38, 1-based): chr11:112,226,487, C>T. VCF-style: chr11-112226487-C-T. GRCh37 (hg19) VCF-style: chr11-112097210-C-T.
Other names: short protein forms S15F.
Identifiers: ClinVar variation 449684 (VCV000449684.2), dbSNP rs1555197885, ClinGen allele CA382626454.